The following is an entry in ClinVar:

NM_002691.4(POLD1):c.2939A>G (p.Glu980Gly)

Gene: POLD1 (DNA polymerase delta 1, catalytic subunit; plus strand). Cytogenetic location: 19q13.33.
Variant type: single nucleotide variant.
Coding change: c.2939A>G on transcript NM_002691.4 (MANE Select); coding-DNA position 2939, A replaced by G.
Protein change: p.Glu980Gly; replaces glutamic acid 980 with glycine.
Molecular consequence: missense variant. On other transcripts: non-coding transcript variant (1).
Genome position (GRCh38, 1-based): chr19:50,416,514, A>G. VCF-style: chr19-50416514-A-G. GRCh37 (hg19) VCF-style: chr19-50919771-A-G.
Other names: c.2939A>G, p.Glu980Gly (NM_001256849.1); c.3017A>G, p.Glu1006Gly (NM_001308632.1); c.2939A>G (NM_002691.2); short protein forms E980G, E1006G.
Identifiers: ClinVar variation 658121 (VCV000658121.9), dbSNP rs1601246748, ClinGen allele CA406986665.

ClinVar aggregate classification (germline): Uncertain significance. Review status: criteria provided, multiple submitters, no conflicts (2 of 4 stars). 2 submissions from 2 submitters: Uncertain significance (2). Last evaluated 2025-02-06.

Conditions:
POLD1-related polyposis and colorectal cancer syndrome (CRCS10). Also called: Colorectal cancer, susceptibility to, 10; Colorectal cancer 10; COLORECTAL CANCER, SUSCEPTIBILITY TO, ON CHROMOSOME 19q. Identifiers: Orphanet 220460, MedGen C2675481, MONDO:0012953, OMIM 612591.
Hereditary cancer-predisposing syndrome. Also called: Hereditary neoplastic syndrome; Tumor predisposition; Hereditary Cancer Syndrome; Neoplastic Syndromes, Hereditary. Identifiers: Orphanet 140162, MedGen C0027672, MeSH D009386, MONDO:0015356.

Submissions (2):

Ambry Genetics
Classification: Uncertain significance for Hereditary cancer-predisposing syndrome. Last evaluated: 2025-02-06. Review status: criteria provided, single submitter. Criteria: Ambry Variant Classification Scheme 2023. Collection method: clinical testing. Allele origin: germline.
Comment: The p.E980G variant (also known as c.2939A>G), located in coding exon 22 of the POLD1 gene, results from an A to G substitution at nucleotide position 2939. The glutamic acid at codon 980 is replaced by glycine, an amino acid with similar properties. This amino acid position is conserved. In addition, this alteration is predicted to be tolerated by in silico analysis. Based on the available evidence, the clinical significance of this variant remains unclear.

Labcorp Genetics (formerly Invitae), Labcorp
Classification: Uncertain significance for POLD1-related polyposis and colorectal cancer syndrome. Last evaluated: 2018-08-15. Review status: criteria provided, single submitter. Criteria: Invitae Variant Classification Sherloc (09022015). Collection method: clinical testing. Allele origin: germline.
Comment: This sequence change replaces glutamic acid with glycine at codon 980 of the POLD1 protein (p.Glu980Gly). The glutamic acid residue is moderately conserved and there is a moderate physicochemical difference between glutamic acid and glycine. This variant is not present in population databases (ExAC no frequency). This variant has not been reported in the literature in individuals with POLD1-related disease. Algorithms developed to predict the effect of missense changes on protein structure and function are either unavailable or do not agree on the potential impact of this missense change (SIFT: "Deleterious"; PolyPhen-2: "Possibly Damaging"; Align-GVGD: "Class C0"). In summary, the available evidence is currently insufficient to determine the role of this variant in disease. Therefore, it has been classified as a Variant of Uncertain Significance.